The following is an entry in ClinVar:

NM_053025.4(MYLK):c.4167C>A (p.Phe1389Leu)

Gene: MYLK (myosin light chain kinase; minus strand). Cytogenetic location: 3q21.1.
Variant type: single nucleotide variant.
Coding change: c.4167C>A on transcript NM_053025.4 (MANE Select); coding-DNA position 4167, C replaced by A.
Protein change: p.Phe1389Leu; replaces phenylalanine 1389 with leucine.
Molecular consequence: missense variant.
Genome position (GRCh38, 1-based): chr3:123,657,247, G>T on the plus strand (C>A on the coding strand, the complement: MYLK is on the minus strand). VCF-style: chr3-123657247-G-T. GRCh37 (hg19) VCF-style: chr3-123376094-G-T.
Other names: c.3639C>A, p.Phe1213Leu (NM_001321309.2); c.3960C>A, p.Phe1320Leu (NM_053026.4, NM_053028.4); c.4167C>A, p.Phe1389Leu (NM_053027.4); short protein forms F1389L, F1213L, F1320L.
Identifiers: ClinVar variation 1407321 (VCV001407321.8), dbSNP rs1429674752, ClinGen allele CA354227989.

ClinVar aggregate classification (germline): Uncertain significance (1 of 4 stars; one submission).

Conditions:
Aortic aneurysm, familial thoracic 7 (AAT7). Also called: AORTIC DISSECTION, FAMILIAL, WITH OR WITHOUT AORTIC ANEURYSM. Identifiers: MedGen C3151077, MONDO:0013418, OMIM 613780.

Submission:

Labcorp Genetics (formerly Invitae), Labcorp
Classification: Uncertain significance for Aortic aneurysm, familial thoracic 7. Last evaluated: 2021-07-25. Review status: criteria provided, single submitter. Criteria: Invitae Variant Classification Sherloc (09022015). Collection method: clinical testing. Allele origin: germline.
Comment: In summary, the available evidence is currently insufficient to determine the role of this variant in disease. Therefore, it has been classified as a Variant of Uncertain Significance. Advanced modeling of protein sequence and biophysical properties (such as structural, functional, and spatial information, amino acid conservation, physicochemical variation, residue mobility, and thermodynamic stability) performed at Invitae indicates that this missense variant is not expected to disrupt MYLK protein function. This sequence change replaces phenylalanine with leucine at codon 1389 of the MYLK protein (p.Phe1389Leu). The phenylalanine residue is highly conserved and there is a small physicochemical difference between phenylalanine and leucine. This variant is not present in population databases (ExAC no frequency). This variant has been observed in individual(s) with MYLK-related conditions (Invitae).